The following is an entry in ClinVar:

NM_001243133.2(NLRP3):c.780= (p.Arg260=)

Gene: NLRP3 (NLR family pyrin domain containing 3; plus strand). Cytogenetic location: 1q44.
Variant type: single nucleotide variant.
Coding change: c.780= on transcript NM_001243133.2 (MANE Select); coding-DNA position 780, no change from the reference sequence.
Protein change: p.Arg260=; no amino-acid change (arginine 260 retained).
Molecular consequence: no sequence alteration.
Genome position: GRCh38 VCF-style: chr1-247424229-A-A. GRCh37 (hg19) VCF-style: chr1-247587531-A-A.
Other names: p.R262R:CGG>CGA; c.780=, p.Arg260= (NM_001079821.3, NM_001127461.3, NM_001127462.3 and 1 more transcripts); c.786=, p.Arg262= (NM_004895.5).
Identifiers: ClinVar variation 138529 (VCV000138529.13), dbSNP rs4925543.

ClinVar aggregate classification (germline): Benign. Review status: criteria provided, multiple submitters, no conflicts (2 of 4 stars). 3 submissions from 3 submitters: Benign (3). Last evaluated 2026-02-04.

Conditions:
Cryopyrin associated periodic syndrome (CAPS). Identifiers: Orphanet 208650, MedGen C2316212, MONDO:0016168.

Allele frequency attached by ClinVar (database versions not stated): gnomAD exomes 0.04912; gnomAD 0.07176 and 0.07230; ESP Exome Variant Server 0.08119; TOPMed 0.07336; 1000 Genomes Project 30x 0.08463; ExAC 0.05741; 1000 Genomes Project 0.08007.

Submissions (3):

Labcorp Genetics (formerly Invitae), Labcorp
Classification: Benign for Cryopyrin associated periodic syndrome. Last evaluated: 2026-02-04. Review status: criteria provided, single submitter. Criteria: Invitae Variant Classification Sherloc (09022015). Collection method: clinical testing. Allele origin: germline.

Athena Diagnostics
Classification: Benign. Last evaluated: 2018-05-29. Review status: criteria provided, single submitter. Criteria: Athena Diagnostics Criteria. Collection method: clinical testing. Allele origin: germline.

GeneDx
Classification: Benign. Last evaluated: 2011-09-19. Review status: criteria provided, single submitter. Criteria: GeneDx Variant Classification (06012015). Collection method: clinical testing. Allele origin: germline. Affected: yes.
Comment: This variant is considered likely benign or benign based on one or more of the following criteria: it is a conservative change, it occurs at a poorly conserved position in the protein, it is predicted to be benign by multiple in silico algorithms, and/or has population frequency not consistent with disease.